The following is an entry in ClinVar:

ClinVar aggregate classification (germline): Uncertain significance (1 of 4 stars; one submission).

Conditions:
PLXNA2-related disorder. Also called: PLXNA2-related condition.

gnomAD v4.1: 17 of 1,613,302 alleles (0.0011%); highest among the groups gnomAD compares: East Asian, 0.0045%; no homozygotes.

Submission:

PreventionGenetics, part of Exact Sciences
Classification: Uncertain significance for PLXNA2-related condition. Last evaluated: 2025-03-18. Review status: criteria provided, single submitter. Criteria: ACMG Guidelines, 2015. Collection method: clinical testing. Allele origin: germline.
Comment: The PLXNA2 c.5503G>A variant is predicted to result in the amino acid substitution p.Glu1835Lys. To our knowledge, this variant has not been reported in the literature. This variant is reported in 0.0062% of alleles in individuals of African descent in gnomAD. At this time, the clinical significance of this variant is uncertain due to the absence of conclusive functional and genetic evidence.

NM_025179.4(PLXNA2):c.5503G>A (p.Glu1835Lys)

Gene: PLXNA2 (plexin A2; minus strand). Cytogenetic location: 1q32.2.
Variant type: single nucleotide variant.
Coding change: c.5503G>A on transcript NM_025179.4 (MANE Select); coding-DNA position 5503, G replaced by A.
Protein change: p.Glu1835Lys; replaces glutamic acid 1835 with lysine.
Molecular consequence: missense variant.
Genome position (GRCh38, 1-based): chr1:208,028,095, C>T on the plus strand (G>A on the coding strand, the complement: PLXNA2 is on the minus strand). VCF-style: chr1-208028095-C-T. GRCh37 (hg19) VCF-style: chr1-208201440-C-T.
Other names: short protein forms E1835K.
Identifiers: ClinVar variation 4977744 (VCV004977744.1).
Genomic context (GRCh38, chr1:208,028,095, plus strand): 5'-AGTAGATCTCATTGAGGGCACTCAGCATGTTGAACTCCACGGCGTGCAGGCGGGACTGCT[C>T]GGCGAGGTAGGCATTCATGTCCTGGTCACTGATGGCTGGGAGCTTGGCGATGTCTGCGTA-3'
Protein context (NP_079455.3, residues 1825-1845): SDQDMNAYLA[Glu1835Lys]QSRLHAVEFN